The following is an entry in ClinVar:

ClinVar aggregate classification (germline): Conflicting classifications of pathogenicity. Review status: criteria provided, conflicting classifications (1 of 4 stars). 2 submissions from 2 submitters: Uncertain significance (1); Likely benign (1). Last evaluated 2026-02-22.

Conditions:
Ehlers-Danlos syndrome, classic type, 1 (EDSCL1). Also called: Ehlers-Danlos Syndrome, Classic Type, COL5A1-Related; EDS I; Ehlers-Danlos syndrome, type 1; EHLERS-DANLOS SYNDROME, GRAVIS TYPE; EHLERS-DANLOS SYNDROME, SEVERE CLASSIC TYPE. Identifiers: MedGen C0268335, MONDO:0019567, OMIM 130000.
Familial thoracic aortic aneurysm and aortic dissection (TAAD). Also called: Thoracic aortic aneurysms and dissections. Identifiers: Orphanet 91387, MedGen C4707243, MONDO:0019625.

Allele frequency attached by ClinVar (database versions not stated): gnomAD exomes 0.00001 and below 0.00001; ExAC 0.00001.
gnomAD v4.1: 3 of 1,613,876 alleles (0.00019%); highest among the groups gnomAD compares: Non-Finnish European, 0.00025%; no homozygotes.

Submissions (2):

Ambry Genetics
Classification: Uncertain significance for Familial thoracic aortic aneurysm and aortic dissection. Last evaluated: 2026-02-22. Review status: criteria provided, single submitter. Criteria: Ambry Variant Classification Scheme 2023. Collection method: clinical testing. Allele origin: germline.
Comment: The p.E1066K variant (also known as c.3196G>A), located in coding exon 45 of the COL5A2 gene, results from a G to A substitution at nucleotide position 3196. The glutamic acid at codon 1066 is replaced by lysine, an amino acid with similar properties. This amino acid position is conserved. In addition, the in silico prediction for this alteration is inconclusive. Based on the available evidence, the clinical significance of this variant remains unclear.

Labcorp Genetics (formerly Invitae), Labcorp
Classification: Likely benign for Ehlers-Danlos syndrome, classic type, 1. Last evaluated: 2025-05-28. Review status: criteria provided, single submitter. Criteria: Invitae Variant Classification Sherloc (09022015). Collection method: clinical testing. Allele origin: germline.

NM_000393.5(COL5A2):c.3196G>A (p.Glu1066Lys)

Gene: COL5A2 (collagen type V alpha 2 chain; minus strand). Cytogenetic location: 2q32.2.
Variant type: single nucleotide variant.
Coding change: c.3196G>A on transcript NM_000393.5 (MANE Select); coding-DNA position 3196, G replaced by A.
Protein change: p.Glu1066Lys; replaces glutamic acid 1066 with lysine.
Molecular consequence: missense variant.
Genome position (GRCh38, 1-based): chr2:189,048,214, C>T on the plus strand (G>A on the coding strand, the complement: COL5A2 is on the minus strand). VCF-style: chr2-189048214-C-T. GRCh37 (hg19) VCF-style: chr2-189912940-C-T.
Other names: short protein forms E1066K.
Identifiers: ClinVar variation 578130 (VCV000578130.9), dbSNP rs779213867, ClinGen allele CA2022084.